The following is an entry in ClinVar:

NM_018191.4(RCBTB1):c.1492C>T (p.His498Tyr)

Gene: RCBTB1 (RCC1 and BTB domain containing protein 1; minus strand). Cytogenetic location: 13q14.2.
Variant type: single nucleotide variant.
Coding change: c.1492C>T on transcript NM_018191.4 (MANE Select); coding-DNA position 1492, C replaced by T.
Protein change: p.His498Tyr; replaces histidine 498 with tyrosine.
Molecular consequence: missense variant. On other transcripts: non-coding transcript variant (2).
Genome position (GRCh38, 1-based): chr13:49,534,226, G>A on the plus strand (C>T on the coding strand, the complement: RCBTB1 is on the minus strand). VCF-style: chr13-49534226-G-A. GRCh37 (hg19) VCF-style: chr13-50108362-G-A.
Other names: c.1492C>T, p.His498Tyr (NM_001352500.2, NM_001352501.2, NM_001352502.2 and 1 more transcripts); c.913C>T, p.His305Tyr (NM_001352506.2); short protein forms H305Y, H498Y.
Identifiers: ClinVar variation 2012281 (VCV002012281.4), dbSNP rs1160507540, ClinGen allele CA388185270.

ClinVar aggregate classification (germline): Uncertain significance (1 of 4 stars; one submission).

Allele frequency attached by ClinVar (database versions not stated): gnomAD exomes below 0.00001; TOPMed below 0.00001; gnomAD 0.00001.

Submission:

Labcorp Genetics (formerly Invitae), Labcorp
Classification: Uncertain significance. Last evaluated: 2022-06-29. Review status: criteria provided, single submitter. Criteria: Invitae Variant Classification Sherloc (09022015). Collection method: clinical testing. Allele origin: germline.
Comment: In summary, the available evidence is currently insufficient to determine the role of this variant in disease. Therefore, it has been classified as a Variant of Uncertain Significance. Algorithms developed to predict the effect of missense changes on protein structure and function are either unavailable or do not agree on the potential impact of this missense change (SIFT: "Deleterious"; PolyPhen-2: "Probably Damaging"; Align-GVGD: "Class C0"). This variant has not been reported in the literature in individuals affected with RCBTB1-related conditions. This variant is not present in population databases (gnomAD no frequency). This sequence change replaces histidine, which is basic and polar, with tyrosine, which is neutral and polar, at codon 498 of the RCBTB1 protein (p.His498Tyr).